The following is an entry in ClinVar:

ClinVar aggregate classification (germline): Pathogenic (1 of 4 stars; one submission).

Submission:

Labcorp Genetics (formerly Invitae), Labcorp
Classification: Pathogenic. Last evaluated: 2021-03-16. Review status: criteria provided, single submitter. Criteria: Invitae Variant Classification Sherloc (09022015). Collection method: clinical testing. Allele origin: germline.
Comment: This sequence change creates a premature translational stop signal (p.Gly208Alafs*67) in the LMX1B gene. It is expected to result in an absent or disrupted protein product. Loss-of-function variants in LMX1B are known to be pathogenic (PMID: 9590287, 15498463). This variant is not present in population databases (ExAC no frequency). This variant has not been reported in the literature in individuals with LMX1B-related conditions. For these reasons, this variant has been classified as Pathogenic.

Literature cited by the submitters: PubMed 9590287; PubMed 15498463.

NM_001174147.2(LMX1B):c.623del (p.Gly208fs)

Gene: LMX1B (LIM homeobox transcription factor 1 beta; plus strand). Cytogenetic location: 9q33.3.
Variant type: Deletion.
Coding change: c.623del on transcript NM_001174147.2 (MANE Select); coding-DNA position 623, one base deleted (G; older notation c.623delG).
Protein change: p.Gly208fs; shifts the reading frame from glycine 208.
Molecular consequence: frameshift variant.
Genome position (GRCh38, 1-based): chr9:126,693,205, G deleted; the last of 3 consecutive G bases (chr9:126,693,203-126,693,205); deleting any one gives the same sequence. VCF-style (leftmost placement, unchanged base first): chr9-126693202-AG-A. GRCh37 (hg19) VCF-style: chr9-129455481-AG-A.
Other names: c.623del, p.Gly208fs (NM_001174146.2, NM_002316.4); short protein forms G208fs.
Identifiers: ClinVar variation 1412425 (VCV001412425.6), dbSNP rs2118991726, ClinGen allele CA2573143938.
Genomic context (GRCh38, chr9:126,693,202, plus strand): 5'-TGAAGAGCGAGGATGAAGATGGGGACATGAAGCCGGCCAAGGGGCAGGGCAGTCAGAGCA[AG>A]GGCAGCGGGGATGACGGGAAGGACCCGCGGAGGCCCAAGCGACCCCGGACCATCCTCACC-3'